The following is an entry in ClinVar:

ClinVar aggregate classification (germline): Uncertain significance (1 of 4 stars; one submission).

Conditions:
Inborn genetic diseases. Identifiers: MedGen C0950123, MeSH D030342.

gnomAD v4.1: 3 of 1,487,560 alleles (0.0002%); highest among the groups gnomAD compares: Non-Finnish European, 0.00027%; no homozygotes.

Submission:

Ambry Genetics
Classification: Uncertain significance for Inborn genetic diseases. Last evaluated: 2025-03-16. Review status: criteria provided, single submitter. Criteria: Ambry Variant Classification Scheme 2023. Collection method: clinical testing. Allele origin: germline.
Comment: The p.R175P variant (also known as c.524G>C), located in coding exon 1 of the SH2B3 gene, results from a G to C substitution at nucleotide position 524. The arginine at codon 175 is replaced by proline, an amino acid with dissimilar properties. This amino acid position is conserved. In addition, this alteration is predicted to be tolerated by in silico analysis. Based on the available evidence, the clinical significance of this variant remains unclear.

NM_005475.3(SH2B3):c.524G>C (p.Arg175Pro)

Gene: SH2B3 (SH2B adaptor protein 3; plus strand). Cytogenetic location: 12q24.12.
Variant type: single nucleotide variant.
Coding change: c.524G>C on transcript NM_005475.3 (MANE Select); coding-DNA position 524, G replaced by C.
Protein change: p.Arg175Pro; replaces arginine 175 with proline.
Molecular consequence: missense variant.
Genome position (GRCh38, 1-based): chr12:111,418,669, G>C. VCF-style: chr12-111418669-G-C. GRCh37 (hg19) VCF-style: chr12-111856473-G-C.
Other names: short protein forms R175P.
Identifiers: ClinVar variation 3953358 (VCV003953358.1).
Genomic context (GRCh38, chr12:111,418,669, plus strand): 5'-CAGCGGCCCACACCGCTGCCGCCCCCGGGACCCCCGGAGAGGCTGCTGAGACCCCCGCCC[G>C]GCCTGGCCTGGCCAAGAAGTTCCTGCCCTGGAGCCTGGCCCGGGAGCCGCCACCCGAGGC-3'
Protein context (NP_005466.1, residues 165-185): TPGEAAETPA[Arg175Pro]PGLAKKFLPW